The following is an entry in ClinVar:

NM_001164665.2(KIAA1549):c.5087C>T (p.Ala1696Val)

Gene: KIAA1549 (KIAA1549; minus strand). Cytogenetic location: 7q34.
Variant type: single nucleotide variant.
Coding change: c.5087C>T on transcript NM_001164665.2 (MANE Select); coding-DNA position 5087, C replaced by T.
Protein change: p.Ala1696Val; replaces alanine 1696 with valine.
Molecular consequence: missense variant.
Genome position (GRCh38, 1-based): chr7:138,861,299, G>A on the plus strand (C>T on the coding strand, the complement: KIAA1549 is on the minus strand). VCF-style: chr7-138861299-G-A. GRCh37 (hg19) VCF-style: chr7-138546045-G-A.
Other names: c.5087C>T, p.Ala1696Val (NM_020910.3); short protein forms A1696V.
Identifiers: ClinVar variation 1994569 (VCV001994569.5), dbSNP rs1201727558, ClinGen allele CA369394465.
Genomic context (GRCh38, chr7:138,861,299, plus strand): 5'-GGTGGGACTCCGGGGCCTACACCTGCGGTGCTGGCAGGCTGGCTGCTGGGGGCCACGAGG[G>A]CAAAGGCGTCGTCCAGGAGGGAGTGCATGGTCTGGCGTGCCTCCTCGATGGACGGCTGGG-3'
Protein context (NP_001158137.1, residues 1686-1706): TMHSLLDDAF[Ala1696Val]LVAPSSQPAS

ClinVar aggregate classification (germline): Uncertain significance. Review status: criteria provided, multiple submitters, no conflicts (2 of 4 stars). 2 submissions from 2 submitters: Uncertain significance (2). Last evaluated 2022-06-16.

Allele frequency attached by ClinVar (database versions not stated): gnomAD exomes below 0.00001.
gnomAD v4.1: 2 of 1,608,706 alleles (0.00012%); highest among the groups gnomAD compares: East Asian, 0.0045%; no homozygotes.

Submissions (2):

Labcorp Genetics (formerly Invitae), Labcorp
Classification: Uncertain significance. Last evaluated: 2022-06-16. Review status: criteria provided, single submitter. Criteria: Invitae Variant Classification Sherloc (09022015). Collection method: clinical testing. Allele origin: germline.
Comment: This variant has not been reported in the literature in individuals affected with KIAA1549-related conditions. This variant is present in population databases (no rsID available, gnomAD 0.0009%). This sequence change replaces alanine, which is neutral and non-polar, with valine, which is neutral and non-polar, at codon 1696 of the KIAA1549 protein (p.Ala1696Val). Algorithms developed to predict the effect of missense changes on protein structure and function (SIFT, PolyPhen-2, Align-GVGD) all suggest that this variant is likely to be disruptive. In summary, the available evidence is currently insufficient to determine the role of this variant in disease. Therefore, it has been classified as a Variant of Uncertain Significance.

Blueprint Genetics
Classification: Uncertain significance. Last evaluated: 2022-01-28. Review status: criteria provided, single submitter. Criteria: ACMG Guidelines, 2015. Collection method: clinical testing. Allele origin: germline.